The following is an entry in ClinVar:

ClinVar aggregate classification (germline): Uncertain significance (1 of 4 stars; one submission).

Allele frequency attached by ClinVar (database versions not stated): gnomAD exomes below 0.00001; gnomAD 0.00001; TOPMed 0.00001; ExAC 0.00007.
gnomAD v4.1: 2 of 1,538,900 alleles (0.00013%); highest among the groups gnomAD compares: African/African-American, 0.0027%; no homozygotes.

Submission:

Labcorp Genetics (formerly Invitae), Labcorp
Classification: Uncertain significance. Last evaluated: 2022-02-20. Review status: criteria provided, single submitter. Criteria: Invitae Variant Classification Sherloc (09022015). Collection method: clinical testing. Allele origin: germline.
Comment: In summary, the available evidence is currently insufficient to determine the role of this variant in disease. Therefore, it has been classified as a Variant of Uncertain Significance. Algorithms developed to predict the effect of missense changes on protein structure and function (SIFT, PolyPhen-2, Align-GVGD) all suggest that this variant is likely to be tolerated. This variant has not been reported in the literature in individuals affected with FCHO1-related conditions. This variant is present in population databases (rs768597149, gnomAD 0.01%). This sequence change replaces proline, which is neutral and non-polar, with serine, which is neutral and polar, at codon 503 of the FCHO1 protein (p.Pro503Ser).

NM_015122.3(FCHO1):c.1507C>T (p.Pro503Ser)

Gene: FCHO1 (FCH and mu domain containing endocytic adaptor 1; plus strand). Cytogenetic location: 19p13.11.
Variant type: single nucleotide variant.
Coding change: c.1507C>T on transcript NM_015122.3 (MANE Select); coding-DNA position 1507, C replaced by T.
Protein change: p.Pro503Ser; replaces proline 503 with serine.
Molecular consequence: missense variant. On other transcripts: non-coding transcript variant (14), intron variant (11).
Genome position (GRCh38, 1-based): chr19:17,778,764, C>T. VCF-style: chr19-17778764-C-T. GRCh37 (hg19) VCF-style: chr19-17889573-C-T.
Other names: c.1507C>T, p.Pro503Ser (NM_001384380.1, NM_001384381.1, NM_001384387.1 and 13 more transcripts); c.1357C>T, p.Pro453Ser (NM_001384384.1, NM_001384385.1, NM_001384386.1 and 1 more transcripts); c.1468C>T, p.Pro490Ser (NM_001384388.1, NM_001384389.1, NM_001384405.1); c.1432C>T, p.Pro478Ser (NM_001384390.1); c.1390C>T, p.Pro464Ser (NM_001384392.1, NM_001384393.1, NM_001384394.1 and 1 more transcripts); c.1351+536C>T (NM_001384396.1, NM_001384404.1, NM_001384398.1 and 5 more transcripts); c.1201+536C>T (NM_001384406.1); c.1058-2467C>T (NM_001384407.1); and 1 more; short protein forms P490S, P503S, P478S, P453S, P464S.
Identifiers: ClinVar variation 2181368 (VCV002181368.4), dbSNP rs768597149, ClinGen allele CA9300534.